The following is an entry in ClinVar:

ClinVar aggregate classification (germline): Uncertain significance (1 of 4 stars; one submission).

Allele frequency attached by ClinVar (database versions not stated): TOPMed below 0.00001; ExAC 0.00001.
gnomAD v4.1: 7 of 1,613,960 alleles (0.00043%); highest among the groups gnomAD compares: South Asian, 0.0033%; no homozygotes.

Submission:

Labcorp Genetics (formerly Invitae), Labcorp
Classification: Uncertain significance. Last evaluated: 2025-02-25. Review status: criteria provided, single submitter. Criteria: Invitae Variant Classification Sherloc (09022015). Collection method: clinical testing. Allele origin: germline.
Comment: This sequence change replaces aspartic acid, which is acidic and polar, with asparagine, which is neutral and polar, at codon 556 of the ANLN protein (p.Asp556Asn). The frequency data for this variant in the population databases is considered unreliable, as metrics indicate poor data quality at this position in the gnomAD database. This variant has not been reported in the literature in individuals affected with ANLN-related conditions. ClinVar contains an entry for this variant (Variation ID: 2148250). Invitae Evidence Modeling of protein sequence and biophysical properties (such as structural, functional, and spatial information, amino acid conservation, physicochemical variation, residue mobility, and thermodynamic stability) indicates that this missense variant is not expected to disrupt ANLN protein function with a negative predictive value of 80%. In summary, the available evidence is currently insufficient to determine the role of this variant in disease. Therefore, it has been classified as a Variant of Uncertain Significance.

NM_018685.5(ANLN):c.1666G>A (p.Asp556Asn)

Gene: ANLN (anillin, actin binding protein; plus strand). Cytogenetic location: 7p14.2.
Variant type: single nucleotide variant.
Coding change: c.1666G>A on transcript NM_018685.5 (MANE Select); coding-DNA position 1666, G replaced by A.
Protein change: p.Asp556Asn; replaces aspartic acid 556 with asparagine.
Molecular consequence: missense variant.
Genome position (GRCh38, 1-based): chr7:36,419,276, G>A. VCF-style: chr7-36419276-G-A. GRCh37 (hg19) VCF-style: chr7-36458885-G-A.
Other names: c.1555G>A, p.Asp519Asn (NM_001284301.3); c.1552G>A, p.Asp518Asn (NM_001284302.3); short protein forms D518N, D519N, D556N.
Identifiers: ClinVar variation 2148250 (VCV002148250.4), dbSNP rs750028955, ClinGen allele CA4219676.